The following is an entry in ClinVar:

ClinVar aggregate classification (germline): Conflicting classifications of pathogenicity. Review status: criteria provided, conflicting classifications (1 of 4 stars). 2 submissions from 2 submitters: Likely pathogenic (1); Uncertain significance (1). Last evaluated 2019-05-28.

Conditions:
Severe myoclonic epilepsy in infancy (DRVT). Also called: DEVELOPMENTAL AND EPILEPTIC ENCEPHALOPATHY 6A; Severe Myoclonic Epilepsy in Infancy (SMEI); Dravet syndrome; Epileptic encephalopathy, early infantile, 6 (Dravet syndrome); SEVERE MYOCLONIC EPILEPSY OF INFANCY. Identifiers: Orphanet 33069, MedGen C0751122, MONDO:0100135, OMIM 607208.

Submissions (2):

Mendelics
Classification: Likely pathogenic for Severe myoclonic epilepsy in infancy. Last evaluated: 2019-05-28. Review status: criteria provided, single submitter. Criteria: Mendelics Assertion Criteria 2017. Collection method: clinical testing. Allele origin: unknown.

Neuberg Centre For Genomic Medicine, NCGM
Classification: Uncertain significance for Severe myoclonic epilepsy in infancy. Review status: criteria provided, single submitter. Criteria: ACMG Guidelines, 2015. Collection method: clinical testing. Allele origin: germline. Affected: yes.
Comment: The missense variant p.D1443N in SCN1A (NM_001165963.4) has been submitted to ClinVar as Likely Pathogenic but no details are available for independent assesment.The variant is not reported in literature in affected individuals. The p.D1443N variant is novel (not in any individuals) in gnomAD Exomes and is novel (not in any individuals) in 1000 Genomes. The p.D1443N missense variant is predicted to be damaging by both SIFT and PolyPhen2. The aspartic acid residue at codon 1443 of SCN1A is conserved in all mammalian species. The nucleotide c.4327 in SCN1A is predicted conserved by GERP++ and PhyloP across 100 vertebrates. For these reasons, this variant has been classified as Uncertain Significance.

NM_001165963.4(SCN1A):c.4327G>A (p.Asp1443Asn)

Genes: SCN1A (sodium voltage-gated channel alpha subunit 1; minus strand), LOC102724058 (uncharacterized LOC102724058; plus strand). Cytogenetic location: 2q24.3.
Variant type: single nucleotide variant.
Coding change: c.4327G>A on transcript NM_001165963.4 (MANE Select); coding-DNA position 4327, G replaced by A.
Protein change: p.Asp1443Asn; replaces aspartic acid 1443 with asparagine.
Molecular consequence: missense variant. On other transcripts: non-coding transcript variant (1).
Genome position (GRCh38, 1-based): chr2:165,999,734, C>T on the plus strand (G>A on the coding strand, the complement: SCN1A is on the minus strand). VCF-style: chr2-165999734-C-T. GRCh37 (hg19) VCF-style: chr2-166856244-C-T.
Other names: c.4243G>A, p.Asp1415Asn (NM_001165964.3, NM_001353957.2, NM_001353958.2); c.4327G>A, p.Asp1443Asn (NM_001202435.3, NM_001353948.2); c.4294G>A, p.Asp1432Asn (NM_001353949.2, NM_001353950.2, NM_001353951.2 and 2 more transcripts); c.4291G>A, p.Asp1431Asn (NM_001353954.2, NM_001353955.2); c.4240G>A, p.Asp1414Asn (NM_001353960.2); c.1885G>A, p.Asp629Asn (NM_001353961.2); short protein forms D1415N, D1432N, D1443N, D629N, D1414N, D1431N.
Identifiers: ClinVar variation 801795 (VCV000801795.4), dbSNP rs1573991676, ClinGen allele CA349049554.
Genomic context (GRCh38, chr2:165,999,734, plus strand): 5'-ACCACCTGATCAATATTGTAAAAAGACTTAGAATACAAGGAATACTTACATTTCTGGAAT[C>T]AACTGCTGCATACATTATATCCATCCATCCTTTGAATGTGGCCTATTAAGAAGGACATGC-3'
Protein context (NP_001159435.1, residues 1433-1453): GWMDIMYAAV[Asp1443Asn]SRNVELQPKY